The following is an entry in ClinVar:

ClinVar aggregate classification (germline): Uncertain significance (1 of 4 stars; one submission).

Conditions:
Amyotrophic lateral sclerosis type 4 (ALS4). Also called: AMYOTROPHIC LATERAL SCLEROSIS 4, JUVENILE; NEURONOPATHY, DISTAL HEREDITARY MOTOR, WITH PYRAMIDAL FEATURES. Identifiers: Orphanet 357043, MedGen C1865409, MONDO:0011223, OMIM 602433.
Spinocerebellar ataxia, autosomal recessive, with axonal neuropathy 2 (SCAN2). Also called: ATAXIA-OCULOMOTOR APRAXIA 2; Ataxia-ocular apraxia-2; Ataxia with Oculomotor Apraxia Type 2; Ataxia with Oculomotor Apraxia. Identifiers: Orphanet 64753, MedGen C1853761, MONDO:0018996, OMIM 606002.

Submission:

Labcorp Genetics (formerly Invitae), Labcorp
Classification: Uncertain significance for Amyotrophic lateral sclerosis type 4; Spinocerebellar ataxia, autosomal recessive, with axonal neuropathy 2. Last evaluated: 2017-08-31. Review status: criteria provided, single submitter. Criteria: Invitae Variant Classification Sherloc (09022015). Collection method: clinical testing. Allele origin: germline.
Comment: This sequence change replaces threonine with serine at codon 2478 of the SETX protein (p.Thr2478Ser). The threonine residue is weakly conserved and there is a small physicochemical difference between threonine and serine. This variant is not present in population databases (ExAC no frequency). This variant has not been reported in the literature in individuals with SETX-related disease. Algorithms developed to predict the effect of missense changes on protein structure and function output the following: SIFT: "Tolerated"; PolyPhen-2: "Benign"; Align-GVGD: "Class C0". The serine amino acid residue is found in multiple mammalian species, suggesting that this missense change does not adversely affect protein function. These predictions have not been confirmed by published functional studies and their clinical significance is uncertain. Algorithms developed to predict the effect of sequence changes on RNA splicing suggest that this variant may create or strengthen a splice site, but this prediction has not been confirmed by published transcriptional studies. In summary, the available evidence is currently insufficient to determine the role of this variant in disease. Therefore, it has been classified as a Variant of Uncertain Significance.

NM_015046.7(SETX):c.7433C>G (p.Thr2478Ser)

Gene: SETX (senataxin; minus strand). Cytogenetic location: 9q34.13.
Variant type: single nucleotide variant.
Coding change: c.7433C>G on transcript NM_015046.7 (MANE Select); coding-DNA position 7433, C replaced by G.
Protein change: p.Thr2478Ser; replaces threonine 2478 with serine.
Molecular consequence: missense variant.
Genome position (GRCh38, 1-based): chr9:132,264,840, G>C on the plus strand (C>G on the coding strand, the complement: SETX is on the minus strand). VCF-style: chr9-132264840-G-C. GRCh37 (hg19) VCF-style: chr9-135140227-G-C.
Other names: c.7433C>G, p.Thr2478Ser (NM_001351527.2); c.7520C>G, p.Thr2507Ser (NM_001351528.2); short protein forms T2478S, T2507S.
Identifiers: ClinVar variation 536376 (VCV000536376.1), dbSNP rs771027936, ClinGen allele CA375325541.